The following is an entry in ClinVar:

NM_000748.3(CHRNB2):c.149C>G (p.Thr50Ser)

Gene: CHRNB2 (cholinergic receptor nicotinic beta 2 subunit; plus strand). Cytogenetic location: 1q21.3.
Variant type: single nucleotide variant.
Coding change: c.149C>G on transcript NM_000748.3 (MANE Select); coding-DNA position 149, C replaced by G.
Protein change: p.Thr50Ser; replaces threonine 50 with serine.
Molecular consequence: missense variant.
Genome position (GRCh38, 1-based): chr1:154,569,546, C>G. VCF-style: chr1-154569546-C-G. GRCh37 (hg19) VCF-style: chr1-154542022-C-G.
Other names: short protein forms T50S.
Identifiers: ClinVar variation 942969 (VCV000942969.9), dbSNP rs762363770, ClinGen allele CA342629341.
Genomic context (GRCh38, chr1:154,569,546, plus strand): 5'-AGCGGCTGGTGGAGCATCTCCTGGATCCTTCCCGCTACAACAAGCTTATCCGCCCAGCCA[C>G]CAATGGCTCTGAGCTGGTGACAGTACAGCTTATGGTGTCACTGGCCCAGCTCATCAGTGT-3'
Protein context (NP_000739.1, residues 40-60): SRYNKLIRPA[Thr50Ser]NGSELVTVQL

ClinVar aggregate classification (germline): Uncertain significance (1 of 4 stars; one submission).

Conditions:
Familial sleep-related hypermotor epilepsy. Also called: Autosomal Dominant Sleep-Related Hypermotor (Hyperkinetic) Epilepsy. Identifiers: Orphanet 98784, MedGen C3696898, MONDO:0000030.

Submission:

Labcorp Genetics (formerly Invitae), Labcorp
Classification: Uncertain significance. Last evaluated: 2025-09-14. Review status: criteria provided, single submitter. Criteria: Invitae Variant Classification Sherloc (09022015). Collection method: clinical testing. Allele origin: germline.
Comment: This sequence change replaces threonine, which is neutral and polar, with serine, which is neutral and polar, at codon 50 of the CHRNB2 protein (p.Thr50Ser). This variant is not present in population databases (gnomAD no frequency). This variant has not been reported in the literature in individuals affected with CHRNB2-related conditions. ClinVar contains an entry for this variant (Variation ID: 942969). Invitae Evidence Modeling of protein sequence and biophysical properties (such as structural, functional, and spatial information, amino acid conservation, physicochemical variation, residue mobility, and thermodynamic stability) indicates that this missense variant is not expected to disrupt CHRNB2 protein function with a negative predictive value of 80%. In summary, the available evidence is currently insufficient to determine the role of this variant in disease. Therefore, it has been classified as a Variant of Uncertain Significance.